The following is an entry in ClinVar:

ClinVar aggregate classification (germline): Uncertain significance (1 of 4 stars; one submission).

Conditions:
Joubert syndrome 18 (JBTS18). Identifiers: Orphanet 2754, MedGen C3553758, MONDO:0013896, OMIM 614815.
Orofacial-digital syndrome IV (OFD4). Also called: Orofaciodigital syndrome IV; BARAITSER-BURN SYNDROME; MOHR-MAJEWSKI SYNDROME; OFD SYNDROME WITH TIBIAL DEFECTS; OFD SYNDROME, BARAITSER-BURN TYPE; OFDS IV. Identifiers: Orphanet 2753, MedGen C0406727, MONDO:0009794, OMIM 258860.

Allele frequency attached by ClinVar (database versions not stated): TOPMed below 0.00001; gnomAD 0.00001; gnomAD exomes 0.00001 and 0.00002; ExAC 0.00002.
gnomAD v4.1: 32 of 1,613,998 alleles (0.002%); highest among the groups gnomAD compares: Non-Finnish European, 0.0026%; no homozygotes.

Submission:

Labcorp Genetics (formerly Invitae), Labcorp
Classification: Uncertain significance for Joubert syndrome 18; Orofacial-digital syndrome IV. Last evaluated: 2021-10-13. Review status: criteria provided, single submitter. Criteria: Invitae Variant Classification Sherloc (09022015). Collection method: clinical testing. Allele origin: germline.
Comment: This sequence change replaces isoleucine with phenylalanine at codon 591 of the TCTN3 protein (p.Ile591Phe). The isoleucine residue is weakly conserved and there is a small physicochemical difference between isoleucine and phenylalanine. This variant is present in population databases (rs746968875, ExAC 0.003%). This variant has not been reported in the literature in individuals affected with TCTN3-related conditions. Algorithms developed to predict the effect of missense changes on protein structure and function (SIFT, PolyPhen-2, Align-GVGD) all suggest that this variant is likely to be tolerated. In summary, the available evidence is currently insufficient to determine the role of this variant in disease. Therefore, it has been classified as a Variant of Uncertain Significance.

NM_015631.6(TCTN3):c.1771A>T (p.Ile591Phe)

Gene: TCTN3 (tectonic family member 3; minus strand). Cytogenetic location: 10q24.1.
Variant type: single nucleotide variant.
Coding change: c.1771A>T on transcript NM_015631.6 (MANE Select); coding-DNA position 1771, A replaced by T.
Protein change: p.Ile591Phe; replaces isoleucine 591 with phenylalanine.
Molecular consequence: missense variant.
Genome position (GRCh38, 1-based): chr10:95,664,120, T>A on the plus strand (A>T on the coding strand, the complement: TCTN3 is on the minus strand). VCF-style: chr10-95664120-T-A. GRCh37 (hg19) VCF-style: chr10-97423877-T-A.
Other names: c.1327A>T, p.Ile443Phe (NM_001143973.2); short protein forms I443F, I591F.
Identifiers: ClinVar variation 1442041 (VCV001442041.3), dbSNP rs746968875, ClinGen allele CA5620746.